The following is an entry in ClinVar:

NM_001355436.2(SPTB):c.6863A>G (p.Asn2288Ser)

Genes: PLEKHG3 (pleckstrin homology and RhoGEF domain containing G3; plus strand), SPTB (spectrin beta, erythrocytic; minus strand). Cytogenetic location: 14q23.3.
Variant type: single nucleotide variant.
Coding change: c.6863A>G on transcript NM_001355436.2 (MANE Select); coding-DNA position 6863, A replaced by G.
Protein change: p.Asn2288Ser; replaces asparagine 2288 with serine.
Molecular consequence: missense variant. On other transcripts: 3 prime UTR variant (1).
Genome position (GRCh38, 1-based): chr14:64,749,430, T>C on the plus strand (A>G on the coding strand, the complement: SPTB is on the minus strand). VCF-style: chr14-64749430-T-C. GRCh37 (hg19) VCF-style: chr14-65216148-T-C.
Other names: p.Asn2288Ser; c.*5727T>C (NM_001308147.2); c.6863A>G, p.Asn2288Ser (NM_001024858.4); short protein forms N2288S.
Identifiers: ClinVar variation 3380197 (VCV003380197.1).

ClinVar aggregate classification (germline): Uncertain significance (1 of 4 stars; one submission).

gnomAD v4.1: 1 of 1,604,650 alleles (0.000062%); highest among the groups gnomAD compares: Non-Finnish European, 0.000085%; no homozygotes.

Submission:

Mayo Clinic Laboratories, Mayo Clinic
Classification: Uncertain significance. Last evaluated: 2024-01-26. Review status: criteria provided, single submitter. Criteria: ACMG Guidelines, 2015. Collection method: clinical testing. Allele origin: germline. Observed: 1 variant allele.
Comment: BP4_strong, PM2_moderate